The following is an entry in ClinVar:

NM_002227.4(JAK1):c.1705C>T (p.Pro569Ser)

Gene: JAK1 (Janus kinase 1; minus strand). Cytogenetic location: 1p31.3.
Variant type: single nucleotide variant.
Coding change: c.1705C>T on transcript NM_002227.4 (MANE Select); coding-DNA position 1705, C replaced by T.
Protein change: p.Pro569Ser; replaces proline 569 with serine.
Molecular consequence: missense variant.
Genome position (GRCh38, 1-based): chr1:64,850,854, G>A on the plus strand (C>T on the coding strand, the complement: JAK1 is on the minus strand). VCF-style: chr1-64850854-G-A. GRCh37 (hg19) VCF-style: chr1-65316537-G-A.
Other names: c.1705C>T, p.Pro569Ser (NM_001320923.2, NM_001321852.2, NM_001321853.2 and 3 more transcripts); c.1702C>T, p.Pro568Ser (NM_001321857.2); short protein forms P568S, P569S.
Identifiers: ClinVar variation 1721969 (VCV001721969.5), dbSNP rs748626914, ClinGen allele CA892862.

ClinVar aggregate classification (germline): Uncertain significance (1 of 4 stars; one submission).

Allele frequency attached by ClinVar (database versions not stated): gnomAD exomes below 0.00001; ExAC 0.00001.
gnomAD v4.1: 2 of 1,614,124 alleles (0.00012%); highest among the groups gnomAD compares: Non-Finnish European, 0.00017%; no homozygotes.

Submission:

Labcorp Genetics (formerly Invitae), Labcorp
Classification: Uncertain significance. Last evaluated: 2022-10-20. Review status: criteria provided, single submitter. Criteria: Invitae Variant Classification Sherloc (09022015). Collection method: clinical testing. Allele origin: germline.
Comment: In summary, the available evidence is currently insufficient to determine the role of this variant in disease. Therefore, it has been classified as a Variant of Uncertain Significance. Algorithms developed to predict the effect of missense changes on protein structure and function output the following: SIFT: "Not Available"; PolyPhen-2: "Benign"; Align-GVGD: "Not Available". The serine amino acid residue is found in multiple mammalian species, which suggests that this missense change does not adversely affect protein function. This variant has not been reported in the literature in individuals affected with JAK1-related conditions. This variant is present in population databases (rs748626914, gnomAD 0.0009%). This sequence change replaces proline, which is neutral and non-polar, with serine, which is neutral and polar, at codon 569 of the JAK1 protein (p.Pro569Ser).